The following is an entry in ClinVar:

NM_000264.5(PTCH1):c.4055C>T (p.Pro1352Leu)

Gene: PTCH1 (patched 1; minus strand). Cytogenetic location: 9q22.32.
Variant type: single nucleotide variant.
Coding change: c.4055C>T on transcript NM_000264.5 (MANE Select); coding-DNA position 4055, C replaced by T.
Protein change: p.Pro1352Leu; replaces proline 1352 with leucine.
Molecular consequence: missense variant. On other transcripts: non-coding transcript variant (1).
Genome position (GRCh38, 1-based): chr9:95,447,201, G>A on the plus strand (C>T on the coding strand, the complement: PTCH1 is on the minus strand). VCF-style: chr9-95447201-G-A. GRCh37 (hg19) VCF-style: chr9-98209483-G-A.
Other names: c.3857C>T, p.Pro1286Leu (NM_001083602.3); c.4052C>T, p.Pro1351Leu (NM_001083603.3); c.3602C>T, p.Pro1201Leu (NM_001083604.3, NM_001083605.3, NM_001083606.3 and 1 more transcripts); c.3899C>T, p.Pro1300Leu (NM_001354918.2); short protein forms P1351L, P1286L, P1352L, P1201L, P1300L.
Identifiers: ClinVar variation 1491890 (VCV001491890.8), dbSNP rs1022984391, ClinGen allele CA374110404.
Genomic context (GRCh38, chr9:95,447,201, plus strand): 5'-GTCACAGTGGTGATGGGCTGGCAGTAGCCGGGCACGGAGCTGCCCATGGCAGTGGACGCT[G>A]GGTTCCGAGGGTTGTGAGAACGGGCCCCGCGAGGGCCCCAGCGGGCCCTATTGCTAGGGC-3'
Protein context (NP_000255.2, residues 1342-1362): RGARSHNPRN[Pro1352Leu]ASTAMGSSVP

ClinVar aggregate classification (germline): Uncertain significance (1 of 4 stars; one submission).

Conditions:
Gorlin syndrome. Also called: Nevoid Basal Cell Carcinoma Syndrome; Basal cell nevus syndrome. Identifiers: Orphanet 377, MedGen C0004779, MONDO:0007187.

Submission:

Labcorp Genetics (formerly Invitae), Labcorp
Classification: Uncertain significance for Gorlin syndrome. Last evaluated: 2022-05-27. Review status: criteria provided, single submitter. Criteria: Invitae Variant Classification Sherloc (09022015). Collection method: clinical testing. Allele origin: germline.
Comment: This sequence change replaces proline, which is neutral and non-polar, with leucine, which is neutral and non-polar, at codon 1352 of the PTCH1 protein (p.Pro1352Leu). This variant is not present in population databases (gnomAD no frequency). This variant has not been reported in the literature in individuals affected with PTCH1-related conditions. Advanced modeling of protein sequence and biophysical properties (such as structural, functional, and spatial information, amino acid conservation, physicochemical variation, residue mobility, and thermodynamic stability) performed at Invitae indicates that this missense variant is not expected to disrupt PTCH1 protein function. In summary, the available evidence is currently insufficient to determine the role of this variant in disease. Therefore, it has been classified as a Variant of Uncertain Significance.